The following is an entry in ClinVar:

NM_001382.4(DPAGT1):c.304C>T (p.Leu102Phe)

Gene: DPAGT1 (dolichyl-phosphate N-acetylglucosaminephosphotransferase 1; minus strand). Cytogenetic location: 11q23.3.
Variant type: single nucleotide variant.
Coding change: c.304C>T on transcript NM_001382.4 (MANE Select); coding-DNA position 304, C replaced by T.
Protein change: p.Leu102Phe; replaces leucine 102 with phenylalanine.
Molecular consequence: missense variant.
Genome position (GRCh38, 1-based): chr11:119,100,822, G>A on the plus strand (C>T on the coding strand, the complement: DPAGT1 is on the minus strand). VCF-style: chr11-119100822-G-A. GRCh37 (hg19) VCF-style: chr11-118971532-G-A.
Other names: short protein forms L102F.
Identifiers: ClinVar variation 3767545 (VCV003767545.1).

ClinVar aggregate classification (germline): Uncertain significance (1 of 4 stars; one submission).

Submission:

GeneDx
Classification: Uncertain significance. Last evaluated: 2024-09-10. Review status: criteria provided, single submitter. Criteria: GeneDx Variant Classification Process June 2021. Collection method: clinical testing. Allele origin: germline. Affected: yes.
Comment: Not observed at significant frequency in large population cohorts (gnomAD); In silico analysis supports that this missense variant has a deleterious effect on protein structure/function; Has not been previously published as pathogenic or benign to our knowledge